The following is an entry in ClinVar:

NM_014251.3(SLC25A13):c.1712G>A (p.Arg571His)

Gene: SLC25A13 (solute carrier family 25 member 13; minus strand). Cytogenetic location: 7q21.3.
Variant type: single nucleotide variant.
Coding change: c.1712G>A on transcript NM_014251.3 (MANE Select); coding-DNA position 1712, G replaced by A.
Protein change: p.Arg571His; replaces arginine 571 with histidine.
Molecular consequence: missense variant. On other transcripts: non-coding transcript variant (1).
Genome position (GRCh38, 1-based): chr7:96,121,877, C>T on the plus strand (G>A on the coding strand, the complement: SLC25A13 is on the minus strand). VCF-style: chr7-96121877-C-T. GRCh37 (hg19) VCF-style: chr7-95751189-C-T.
Other names: c.1712G>A (NM_014251.2); c.1715G>A, p.Arg572His (NM_001160210.2); short protein forms R571H, R572H.
Identifiers: ClinVar variation 2063346 (VCV002063346.3), dbSNP rs187260240, ClinGen allele CA4352813.

ClinVar aggregate classification (germline): Uncertain significance. Review status: criteria provided, multiple submitters, no conflicts (2 of 4 stars). 2 submissions from 2 submitters: Uncertain significance (2). Last evaluated 2023-05-24.

Conditions:
Inborn genetic diseases. Identifiers: MedGen C0950123, MeSH D030342.
Citrin deficiency. Identifiers: Orphanet 247582, MedGen C1997910, MONDO:0016602.

Allele frequency attached by ClinVar (database versions not stated): ExAC 0.00002; TOPMed 0.00003; gnomAD 0.00004; 1000 Genomes Project 0.00020; 1000 Genomes Project 30x 0.00031.
gnomAD v4.1: 42 of 1,614,174 alleles (0.0026%); highest among the groups gnomAD compares: Middle Eastern, 0.033%; 1 homozygote.

Submissions (2):

Ambry Genetics
Classification: Uncertain significance for Inborn genetic diseases. Last evaluated: 2023-05-24. Review status: criteria provided, single submitter. Criteria: Ambry Variant Classification Scheme 2023. Collection method: clinical testing. Allele origin: germline.

Labcorp Genetics (formerly Invitae), Labcorp
Classification: Uncertain significance for Citrin deficiency. Last evaluated: 2022-10-25. Review status: criteria provided, single submitter. Criteria: Invitae Variant Classification Sherloc (09022015). Collection method: clinical testing. Allele origin: germline.
Comment: This sequence change replaces arginine, which is basic and polar, with histidine, which is basic and polar, at codon 571 of the SLC25A13 protein (p.Arg571His). This variant is present in population databases (rs187260240, gnomAD 0.04%). This variant has not been reported in the literature in individuals affected with SLC25A13-related conditions. Advanced modeling of protein sequence and biophysical properties (such as structural, functional, and spatial information, amino acid conservation, physicochemical variation, residue mobility, and thermodynamic stability) performed at Invitae indicates that this missense variant is not expected to disrupt SLC25A13 protein function. In summary, the available evidence is currently insufficient to determine the role of this variant in disease. Therefore, it has been classified as a Variant of Uncertain Significance.